The following is an entry in ClinVar:

NM_014629.4(ARHGEF10):c.415C>G (p.Leu139Val)

Gene: ARHGEF10 (Rho guanine nucleotide exchange factor 10; plus strand). Cytogenetic location: 8p23.3.
Variant type: single nucleotide variant.
Coding change: c.415C>G on transcript NM_014629.4 (MANE Select); coding-DNA position 415, C replaced by G.
Protein change: p.Leu139Val; replaces leucine 139 with valine.
Molecular consequence: missense variant.
Genome position (GRCh38, 1-based): chr8:1,860,118, C>G. VCF-style: chr8-1860118-C-G. GRCh37 (hg19) VCF-style: chr8-1808284-C-G.
Other names: c.415C>G, p.Leu139Val (NM_001308152.2, NM_001308153.3); short protein forms L139V, L163V.
Identifiers: ClinVar variation 1953175 (VCV001953175.5), dbSNP rs140941264, ClinGen allele CA4599747.
Genomic context (GRCh38, chr8:1,860,118, plus strand): 5'-CTCCATGTGCCCTGCGGGTACTTGGTGCCTGTACCCTGCGGCTATGCGGTGCCCTCCAAC[C>G]TGCCCCTCCTGCTGCCCGCCTACTCCAGCCCGGTCATCATCTGCGCCACGTCCCTGGACG-3'
Protein context (NP_055444.2, residues 129-149): VPCGYAVPSN[Leu139Val]PLLLPAYSSP

ClinVar aggregate classification (germline): Uncertain significance (1 of 4 stars; one submission).

Allele frequency attached by ClinVar (database versions not stated): ExAC 0.00014.
gnomAD v4.1: 74 of 1,613,978 alleles (0.0046%); highest among the groups gnomAD compares: South Asian, 0.081%; no homozygotes.

Submission:

Labcorp Genetics (formerly Invitae), Labcorp
Classification: Uncertain significance. Last evaluated: 2022-05-17. Review status: criteria provided, single submitter. Criteria: Invitae Variant Classification Sherloc (09022015). Collection method: clinical testing. Allele origin: germline.
Comment: Algorithms developed to predict the effect of missense changes on protein structure and function (SIFT, PolyPhen-2, Align-GVGD) all suggest that this variant is likely to be tolerated. This variant has not been reported in the literature in individuals affected with ARHGEF10-related conditions. This variant is present in population databases (rs140941264, gnomAD 0.1%), and has an allele count higher than expected for a pathogenic variant. This sequence change replaces leucine, which is neutral and non-polar, with valine, which is neutral and non-polar, at codon 139 of the ARHGEF10 protein (p.Leu139Val). In summary, the available evidence is currently insufficient to determine the role of this variant in disease. Therefore, it has been classified as a Variant of Uncertain Significance.